The following is an entry in ClinVar:

NM_000512.5(GALNS):c.433C>T (p.His145Tyr)

Gene: GALNS (galactosamine (N-acetyl)-6-sulfatase; minus strand). Cytogenetic location: 16q24.3.
Variant type: single nucleotide variant.
Coding change: c.433C>T on transcript NM_000512.5 (MANE Select); coding-DNA position 433, C replaced by T.
Protein change: p.His145Tyr; replaces histidine 145 with tyrosine.
Molecular consequence: missense variant. On other transcripts: 5 prime UTR variant (1).
Genome position (GRCh38, 1-based): chr16:88,837,755, G>A on the plus strand (C>T on the coding strand, the complement: GALNS is on the minus strand). VCF-style: chr16-88837755-G-A. GRCh37 (hg19) VCF-style: chr16-88904163-G-A.
Other names: c.-123C>T (NM_001323543.2); c.451C>T, p.His151Tyr (NM_001323544.2); short protein forms H145Y, H151Y.
Identifiers: ClinVar variation 1048457 (VCV001048457.5), dbSNP rs577334837, ClinGen allele CA8235138.

ClinVar aggregate classification (germline): Pathogenic/Likely pathogenic. Review status: criteria provided, multiple submitters, no conflicts (2 of 4 stars). 2 submissions from 2 submitters: Pathogenic (1); Likely pathogenic (1). Last evaluated 2024-02-18.

Conditions:
Mucopolysaccharidosis, MPS-IV-A (MPS4A). Also called: Mucopolysaccharidosis type IV A; Mucopolysaccharidosis Type IVA; Morquio syndrome A, mild; MORQUIO SYNDROME A; MPS IVA; mucopolysaccharidosis type 4A. Identifiers: Orphanet 309297, Orphanet 582, MedGen C0086651, MONDO:0009659, OMIM 253000.

Allele frequency attached by ClinVar (database versions not stated): gnomAD exomes below 0.00001; TOPMed below 0.00001; ExAC 0.00001; gnomAD 0.00001; 1000 Genomes Project 30x 0.00016; 1000 Genomes Project 0.00020.

Submissions (2):

Labcorp Genetics (formerly Invitae), Labcorp
Classification: Pathogenic for Mucopolysaccharidosis, MPS-IV-A. Last evaluated: 2024-02-18. Review status: criteria provided, single submitter. Criteria: Invitae Variant Classification Sherloc (09022015). Collection method: clinical testing. Allele origin: germline.
Comment: This sequence change replaces histidine, which is basic and polar, with tyrosine, which is neutral and polar, at codon 145 of the GALNS protein (p.His145Tyr). This variant is not present in population databases (gnomAD no frequency). This missense change has been observed in individual(s) with Mucopolysaccharidosis type IVA (PMID: 24726177, 32905071). ClinVar contains an entry for this variant (Variation ID: 1048457). Advanced modeling of protein sequence and biophysical properties (such as structural, functional, and spatial information, amino acid conservation, physicochemical variation, residue mobility, and thermodynamic stability) performed at Invitae indicates that this missense variant is expected to disrupt GALNS protein function with a positive predictive value of 95%. For these reasons, this variant has been classified as Pathogenic.

Laboratory of Diagnosis and Therapy of Lysosomal Disorders, University of Padova
Classification: Likely pathogenic for Mucopolysaccharidosis, MPS-IV-A. Last evaluated: 2021-02-01. Review status: criteria provided, single submitter. Criteria: ACMG Guidelines, 2015. Collection method: curation. Allele origin: germline. Affected: yes.
Comment: In vivo functional studies supportive of a damaging effect on the gene product (low to null enzymatic activity in homozygotes; PS3_moderate); the prevalence of the variant in affected individuals is significantly increased compared with the prevalence in controls (PS4_strong); absent from gnomAD v2.1.1 (PM2_moderate); multiple lines of computational evidence support a deleterious effect on the gene (PP3_supporting)

Literature cited by the submitters: PubMed 24726177 (cited by Labcorp Genetics (formerly Invitae), Labcorp and Laboratory of Diagnosis and Therapy of Lysosomal Disorders, University of Padova); PubMed 32905071 (cited by Labcorp Genetics (formerly Invitae), Labcorp and Laboratory of Diagnosis and Therapy of Lysosomal Disorders, University of Padova); PubMed 34387910 (cited by Laboratory of Diagnosis and Therapy of Lysosomal Disorders, University of Padova).